The following is an entry in ClinVar:

NC_000001.10:g.(?_76205645)_(76228448_?)dup

Gene: ACADM (acyl-CoA dehydrogenase medium chain; plus strand). Cytogenetic location: 1p31.1.
Variant type: Duplication.
Identifiers: ClinVar variation 2422132 (VCV002422132.4).

ClinVar aggregate classification (germline): Uncertain significance (1 of 4 stars; one submission).

Conditions:
Medium-chain acyl-coenzyme A dehydrogenase deficiency (ACADMD). Also called: MCADD; MCADH DEFICIENCY; Medium chain acyl-CoA dehydrogenase deficiency; ACADM DEFICIENCY; CARNITINE DEFICIENCY SECONDARY TO MEDIUM-CHAIN ACYL-CoA DEHYDROGENASE DEFICIENCY; MCAD Deficiency. Identifiers: Orphanet 42, MedGen C0220710, MONDO:0008721, OMIM 201450.

Submission:

Labcorp Genetics (formerly Invitae), Labcorp
Classification: Uncertain significance for Medium-chain acyl-coenzyme A dehydrogenase deficiency. Last evaluated: 2022-11-01. Review status: criteria provided, single submitter. Criteria: Invitae Variant Classification Sherloc (09022015). Collection method: clinical testing. Allele origin: germline.
Comment: In summary, the available evidence is currently insufficient to determine the role of this variant in disease. Therefore, it has been classified as a Variant of Uncertain Significance. This variant has not been reported in the literature in individuals affected with ACADM-related conditions. This variant results in a copy number gain of the genomic region encompassing exon(s) 7-12 of the ACADM gene. This region includes the termination codon of the gene. This copy number gain extends beyond the assayed region for this gene and therefore may encompass additional genes. As the precise location of this event is unknown, it may be in tandem or it may be located elsewhere in the genome.